The following is an entry in ClinVar:

NM_001042492.3(NF1):c.2199del (p.Asn734fs)

Gene: NF1 (neurofibromin 1; plus strand). Cytogenetic location: 17q11.2.
Variant type: Deletion.
Coding change: c.2199del on transcript NM_001042492.3 (MANE Select); coding-DNA position 2199, one base deleted (C; older notation c.2199delC).
Protein change: p.Asn734fs; shifts the reading frame from asparagine 734.
Molecular consequence: frameshift variant.
Genome position (GRCh38, 1-based): chr17:31,226,632, C deleted; the last of 3 consecutive C bases (chr17:31,226,630-31,226,632); deleting any one gives the same sequence. VCF-style (leftmost placement, unchanged base first): chr17-31226629-GC-G. GRCh37 (hg19) VCF-style: chr17-29553647-GC-G.
Other names: c.2199delC (NM_000267.3); c.2199delC, p.Asn734Thrfs (NM_000267.4); short protein forms N734fs.
Identifiers: ClinVar variation 840160 (VCV000840160.7), dbSNP rs2067019858, ClinGen allele CA916080585.

ClinVar aggregate classification (germline): Pathogenic. Review status: criteria provided, multiple submitters, no conflicts (2 of 4 stars). 2 submissions from 2 submitters: Pathogenic (2). Last evaluated 2026-03-24.

Conditions:
Hereditary cancer-predisposing syndrome. Also called: Tumor predisposition; Neoplastic Syndromes, Hereditary; Hereditary neoplastic syndrome; Hereditary Cancer Syndrome. Identifiers: Orphanet 140162, MedGen C0027672, MeSH D009386, MONDO:0015356.
Cardiovascular phenotype. Identifiers: MedGen CN230736.
Neurofibromatosis, type 1 (NF1). Also called: Peripheral type neurofibromatosis; Neurofibromatosis, type I; NEUROFIBROMATOSIS, TYPE I, SOMATIC; VON RECKLINGHAUSEN DISEASE. Identifiers: Orphanet 636, MedGen C0027831, MONDO:0018975, OMIM 162200. Disease mechanism: loss of function.

Submissions (2):

Ambry Genetics
Classification: Pathogenic for Cardiovascular phenotype; Hereditary cancer-predisposing syndrome. Last evaluated: 2026-03-24. Review status: criteria provided, single submitter. Criteria: Ambry Variant Classification Scheme 2023. Collection method: clinical testing. Allele origin: germline.
Comment: The c.2199delC pathogenic mutation, located in coding exon 18 of the NF1 gene, results from a deletion of one nucleotide at nucleotide position 2199, causing a translational frameshift with a predicted alternate stop codon (p.N734Tfs*14). This variant was reported in individual(s) with features consistent with Neurofibromatosis type 1 (Ambry internal data). This variant is considered to be rare based on population cohorts in the Genome Aggregation Database (gnomAD). This alteration is expected to result in loss of function by premature protein truncation or nonsense-mediated mRNA decay. As such, this alteration is interpreted as a disease-causing mutation.

Labcorp Genetics (formerly Invitae), Labcorp
Classification: Pathogenic for Neurofibromatosis, type 1. Last evaluated: 2019-02-02. Review status: criteria provided, single submitter. Criteria: Invitae Variant Classification Sherloc (09022015). Collection method: clinical testing. Allele origin: germline.
Comment: This variant has not been reported in the literature in individuals with NF1-related conditions. Loss-of-function variants in NF1 are known to be pathogenic (PMID: 10712197, 23913538). For these reasons, this variant has been classified as Pathogenic. This variant is not present in population databases (ExAC no frequency). This sequence change creates a premature translational stop signal (p.Asn734Thrfs*14) in the NF1 gene. It is expected to result in an absent or disrupted protein product.

Literature cited by the submitters: PubMed 10712197 (cited by Labcorp Genetics (formerly Invitae), Labcorp); PubMed 23913538 (cited by Labcorp Genetics (formerly Invitae), Labcorp).